The following is an entry in ClinVar:

ClinVar aggregate classification (germline): Uncertain significance (1 of 4 stars; one submission).

gnomAD v4.1: 2 of 1,589,244 alleles (0.00013%); highest among the groups gnomAD compares: Non-Finnish European, 0.00017%; no homozygotes.

Submission:

Ambry Genetics
Classification: Uncertain significance. Last evaluated: 2026-05-30. Review status: criteria provided, single submitter. Criteria: Ambry Variant Classification Scheme 2023. Collection method: clinical testing. Allele origin: germline.
Comment: The p.P1931S variant (also known as c.5791C>T), located in coding exon 23 of the WNK2 gene, results from a C to T substitution at nucleotide position 5791. The proline at codon 1931 is replaced by serine, an amino acid with similar properties. This amino acid position is conserved. In addition, this alteration is predicted to be deleterious by in silico analysis. Based on the available evidence, the clinical significance of this variant remains unclear.

NM_006648.4(WNK2):c.5791C>T (p.Pro1931Ser)

Gene: WNK2 (WNK lysine deficient protein kinase 2; plus strand). Cytogenetic location: 9q22.31.
Variant type: single nucleotide variant.
Coding change: c.5791C>T on transcript NM_006648.4 (MANE Select); coding-DNA position 5791, C replaced by T.
Protein change: p.Pro1931Ser; replaces proline 1931 with serine.
Molecular consequence: missense variant.
Genome position (GRCh38, 1-based): chr9:93,297,935, C>T. VCF-style: chr9-93297935-C-T. GRCh37 (hg19) VCF-style: chr9-96060217-C-T.
Other names: c.5902C>T, p.Pro1968Ser (NM_001282394.3); short protein forms P1931S, P1968S.
Identifiers: ClinVar variation 4866715 (VCV004866715.1).